The following is an entry in ClinVar:

NM_001278512.2(AP3B2):c.938_945dup (p.Arg316fs)

Genes: CPEB1-AS1 (CPEB1 antisense RNA 1; plus strand), AP3B2 (adaptor related protein complex 3 subunit beta 2; minus strand). Cytogenetic location: 15q25.2.
Variant type: Duplication.
Coding change: c.938_945dup on transcript NM_001278512.2 (MANE Select); coding-DNA positions 938 to 945, 8 bases duplicated (TGCAGAGC; older notation c.938_945dupTGCAGAGC).
Protein change: p.Arg316fs; shifts the reading frame from arginine 316.
Molecular consequence: frameshift variant.
Genome position (GRCh38, 1-based): chr15:82,680,582-82,680,589, GCTCTGCA duplicated on the plus strand (TGCAGAGC on the coding strand, the reverse complement: AP3B2 is on the minus strand); duplicating any 8 consecutive bases within chr15:82,680,582-82,680,591 gives the same sequence; the c. name uses the placement nearest the transcript's 3' end. VCF-style (leftmost placement, unchanged base first): chr15-82680581-G-GGCTCTGCA. GRCh37 (hg19) VCF-style: chr15-83349333-G-GGCTCTGCA.
Other names: c.842_849dup, p.Arg284fs (NM_001278511.2); c.938_945dup, p.Arg316fs (NM_004644.5); short protein forms R316fs, R284fs.
Identifiers: ClinVar variation 817182 (VCV000817182.1), dbSNP rs1596182118, ClinGen allele CA915946088.

ClinVar aggregate classification (germline): Pathogenic (1 of 4 stars; one submission).

Submission:

GeneDx
Classification: Pathogenic. Last evaluated: 2018-08-06. Review status: criteria provided, single submitter. Criteria: GeneDx Variant Classification (06012015). Collection method: clinical testing. Allele origin: germline. Affected: yes.
Comment: The c.938_945dupTGCAGAGC variant in the AP3B2 gene has not been reported previously as a pathogenic variant nor as a benign variant, to our knowledge. The c.938_945dupTGCAGAGC variant causes a frameshift starting with codon Arginine 316, changes this amino acid to a Cysteine residue, and creates a premature Stop codon at position 9 of the new reading frame, denoted p.Arg316CysfsX9. This variant is predicted to cause loss of normal protein function either through protein truncation or nonsense-mediated mRNA decay. The c.938_945dupTGCAGAGC variant is not observed in large population cohorts (Lek et al., 2016). We interpret c.938_945dupTGCAGAGC as a pathogenic variant.